The following is an entry in ClinVar:

NM_001379500.1(COL18A1):c.1824C>T (p.Pro608=)

Gene: COL18A1 (collagen type XVIII alpha 1 chain; plus strand). Cytogenetic location: 21q22.3.
Variant type: single nucleotide variant.
Coding change: c.1824C>T on transcript NM_001379500.1 (MANE Select); coding-DNA position 1824, C replaced by T.
Protein change: p.Pro608=; no amino-acid change (proline 608 retained).
Molecular consequence: synonymous variant.
Genome position (GRCh38, 1-based): chr21:45,486,983, C>T. VCF-style: chr21-45486983-C-T. GRCh37 (hg19) VCF-style: chr21-46906897-C-T.
Other names: c.2364C>T, p.Pro788= (NM_030582.4); c.3069C>T, p.Pro1023= (NM_130444.3); c.2364C>T (NM_030582.3).
Identifiers: ClinVar variation 1627774 (VCV001627774.10), dbSNP rs370138639, ClinGen allele CA10066545.
Genomic context (GRCh38, chr21:45,486,983, plus strand): 5'-CGGACCTGCTGGACCACCAGGCCCCCCTGGGCCCCCTGGGCCCCCAGGACCAGGACTCCC[C>T]GCTGGATTTGTGAGTACCGCCTACACCTGACCCCCTGGAGAGCCGGGGGCTGCCGTTGCC-3'
Protein context (NP_001366429.1, residues 598-618): GPPGPPGPGL[Pro608=]AGFDDMEGSG

ClinVar aggregate classification (germline): Likely benign. Review status: criteria provided, multiple submitters, no conflicts (2 of 4 stars). 3 submissions from 3 submitters: Likely benign (3). Last evaluated 2025-10-15.

Conditions:
COL18A1-related disorder. Also called: COL18A1-related disorders; COL18A1-related condition.

Allele frequency attached by ClinVar (database versions not stated): TOPMed 0.00004; gnomAD 0.00005 and 0.00007; gnomAD exomes 0.00007 and 0.00010; ESP Exome Variant Server 0.00009; 1000 Genomes Project 30x 0.00016; 1000 Genomes Project 0.00020; ExAC 0.00032.
gnomAD v4.1: 104 of 1,520,590 alleles (0.0068%); highest among the groups gnomAD compares: South Asian, 0.098%; 2 homozygotes.

Submissions (3):

Labcorp Genetics (formerly Invitae), Labcorp
Classification: Likely benign. Last evaluated: 2025-10-15. Review status: criteria provided, single submitter. Criteria: Invitae Variant Classification Sherloc (09022015). Collection method: clinical testing. Allele origin: germline.

PreventionGenetics, part of Exact Sciences
Classification: Likely benign for COL18A1-related condition. Last evaluated: 2024-12-20. Review status: criteria provided, single submitter. Criteria: ACMG Guidelines, 2015. Collection method: clinical testing. Allele origin: germline.
Comment: This variant is classified as likely benign based on ACMG/AMP sequence variant interpretation guidelines (Richards et al. 2015 PMID: 25741868, with internal and published modifications).

Blueprint Genetics
Classification: Likely benign. Last evaluated: 2024-05-29. Review status: criteria provided, single submitter. Criteria: ACMG Guidelines, 2015. Collection method: clinical testing. Allele origin: germline.